The following is an entry in ClinVar:

NM_005412.6(SHMT2):c.1442G>A (p.Arg481His)

Gene: SHMT2 (serine hydroxymethyltransferase 2; plus strand). Cytogenetic location: 12q13.3.
Variant type: single nucleotide variant.
Coding change: c.1442G>A on transcript NM_005412.6 (MANE Select); coding-DNA position 1442, G replaced by A.
Protein change: p.Arg481His; replaces arginine 481 with histidine.
Molecular consequence: missense variant. On other transcripts: non-coding transcript variant (4).
Genome position (GRCh38, 1-based): chr12:57,234,288, G>A. VCF-style: chr12-57234288-G-A. GRCh37 (hg19) VCF-style: chr12-57628071-G-A.
Other names: c.1412G>A, p.Arg471His (NM_001166356.2); c.1379G>A, p.Arg460His (NM_001166357.1, NM_001166358.2, NM_001166359.1); short protein forms R460H, R471H, R481H.
Identifiers: ClinVar variation 3039981 (VCV003039981.2), dbSNP rs536394351, ClinGen allele CA6646684.

ClinVar aggregate classification (germline): Likely benign (0 of 4 stars; one submission).

Conditions:
SHMT2-related disorder. Also called: SHMT2-related condition.

Allele frequency attached by ClinVar (database versions not stated): gnomAD exomes 0.00009; 1000 Genomes Project 30x 0.00016; 1000 Genomes Project 0.00020; ExAC 0.00020; TOPMed 0.00039.
gnomAD v4.1: 168 of 1,613,840 alleles (0.01%); highest among the groups gnomAD compares: Admixed American, 0.21%; 2 homozygotes.

Submission:

PreventionGenetics, part of Exact Sciences
Classification: Likely benign for SHMT2-related condition. Last evaluated: 2022-11-13. Review status: no assertion criteria provided. Collection method: clinical testing. Allele origin: germline.
Comment: This variant is classified as likely benign based on ACMG/AMP sequence variant interpretation guidelines (Richards et al. 2015 PMID: 25741868, with internal and published modifications).